The following is an entry in ClinVar:

ClinVar aggregate classification (germline): Uncertain significance (1 of 4 stars; one submission).

gnomAD v4.1: 1 of 1,604,318 alleles (0.000062%); highest among the groups gnomAD compares: Non-Finnish European, 0.000085%; no homozygotes.

Submission:

GeneDx
Classification: Uncertain significance. Last evaluated: 2023-07-14. Review status: criteria provided, single submitter. Criteria: GeneDx Variant Classification Process June 2021. Collection method: clinical testing. Allele origin: germline. Affected: yes.
Comment: Not observed at significant frequency in large population cohorts (gnomAD); In silico analysis supports that this missense variant has a deleterious effect on protein structure/function; Has not been previously published as pathogenic or benign to our knowledge

NM_001744.6(CAMK4):c.971G>A (p.Arg324His)

Gene: CAMK4 (calcium/calmodulin dependent protein kinase IV; plus strand). Cytogenetic location: 5q22.1.
Variant type: single nucleotide variant.
Coding change: c.971G>A on transcript NM_001744.6 (MANE Select); coding-DNA position 971, G replaced by A.
Protein change: p.Arg324His; replaces arginine 324 with histidine.
Molecular consequence: missense variant.
Genome position (GRCh38, 1-based): chr5:111,482,927, G>A. VCF-style: chr5-111482927-G-A. GRCh37 (hg19) VCF-style: chr5-110818625-G-A.
Other names: c.971G>A, p.Arg324His (NM_001323374.2, NM_001323375.2); c.380G>A, p.Arg127His (NM_001323376.2, NM_001323377.2); short protein forms R127H, R324H.
Identifiers: ClinVar variation 3361146 (VCV003361146.1).